The following is an entry in ClinVar:

NM_001146.5(ANGPT1):c.1112A>G (p.Tyr371Cys)

Gene: ANGPT1 (angiopoietin 1; minus strand). Cytogenetic location: 8q23.1.
Variant type: single nucleotide variant.
Coding change: c.1112A>G on transcript NM_001146.5 (MANE Select); coding-DNA position 1112, A replaced by G.
Protein change: p.Tyr371Cys; replaces tyrosine 371 with cysteine.
Molecular consequence: missense variant.
Genome position (GRCh38, 1-based): chr8:107,284,775, T>C on the plus strand (A>G on the coding strand, the complement: ANGPT1 is on the minus strand). VCF-style: chr8-107284775-T-C. GRCh37 (hg19) VCF-style: chr8-108297003-T-C.
Other names: c.1109A>G, p.Tyr370Cys (NM_001199859.3); c.512A>G, p.Tyr171Cys (NM_001314051.2); short protein forms Y171C, Y371C, Y370C.
Identifiers: ClinVar variation 4699944 (VCV004699944.1).

ClinVar aggregate classification (germline): Uncertain significance (1 of 4 stars; one submission).

gnomAD v4.1: 6 of 1,612,130 alleles (0.00037%); highest among the groups gnomAD compares: African/African-American, 0.0013%; no homozygotes.

Submission:

Labcorp Genetics (formerly Invitae), Labcorp
Classification: Uncertain significance. Last evaluated: 2025-03-18. Review status: criteria provided, single submitter. Criteria: Invitae Variant Classification Sherloc (09022015). Collection method: clinical testing. Allele origin: germline.
Comment: This sequence change replaces tyrosine, which is neutral and polar, with cysteine, which is neutral and slightly polar, at codon 371 of the ANGPT1 protein (p.Tyr371Cys). This variant is not present in population databases (gnomAD no frequency). This variant has not been reported in the literature in individuals affected with ANGPT1-related conditions. An algorithm developed to predict the effect of missense changes on protein structure and function (PolyPhen-2) suggests that this variant is likely to be tolerated. In summary, the available evidence is currently insufficient to determine the role of this variant in disease. Therefore, it has been classified as a Variant of Uncertain Significance.